The following is an entry in ClinVar:

ClinVar aggregate classification (germline): Uncertain significance (1 of 4 stars; one submission).

Conditions:
Peroxisome biogenesis disorder 7A (Zellweger). Also called: Peroxisome biogenesis disorder 7A. Identifiers: Orphanet 912, MedGen C3888385, MONDO:0013938, OMIM 614872.
Peroxisome biogenesis disorder 7B (PBD7B). Identifiers: Orphanet 44, MedGen C3553951, MONDO:0013939, OMIM 614873.

Submission:

Labcorp Genetics (formerly Invitae), Labcorp
Classification: Uncertain significance for Peroxisome biogenesis disorder 7A (Zellweger); Peroxisome biogenesis disorder 7B. Last evaluated: 2021-04-01. Review status: criteria provided, single submitter. Criteria: Invitae Variant Classification Sherloc (09022015). Collection method: clinical testing. Allele origin: germline.
Comment: In summary, the available evidence is currently insufficient to determine the role of this variant in disease. Therefore, it has been classified as a Variant of Uncertain Significance. Algorithms developed to predict the effect of missense changes on protein structure and function are either unavailable or do not agree on the potential impact of this missense change (SIFT: "Tolerated"; PolyPhen-2: "Probably Damaging"; Align-GVGD: "Class C0"). This variant has not been reported in the literature in individuals with PEX26-related conditions. This variant is not present in population databases (ExAC no frequency). This sequence change replaces glycine with alanine at codon 172 of the PEX26 protein (p.Gly172Ala). The glycine residue is highly conserved and there is a small physicochemical difference between glycine and alanine.

NM_001127649.3(PEX26):c.515G>C (p.Gly172Ala)

Gene: PEX26 (peroxisomal biogenesis factor 26; plus strand). Cytogenetic location: 22q11.21.
Variant type: single nucleotide variant.
Coding change: c.515G>C on transcript NM_001127649.3 (MANE Select); coding-DNA position 515, G replaced by C.
Protein change: p.Gly172Ala; replaces glycine 172 with alanine.
Molecular consequence: missense variant.
Genome position (GRCh38, 1-based): chr22:18,083,580, G>C. VCF-style: chr22-18083580-G-C. GRCh37 (hg19) VCF-style: chr22-18566346-G-C.
Other names: c.515G>C, p.Gly172Ala (NM_001199319.2, NM_017929.6); short protein forms G172A.
Identifiers: ClinVar variation 1521999 (VCV001521999.8), dbSNP rs2123654402, ClinGen allele CA410267744.